The following is an entry in ClinVar:

NM_017617.5(NOTCH1):c.2038G>A (p.Asp680Asn)

Gene: NOTCH1 (notch receptor 1; minus strand). Cytogenetic location: 9q34.3.
Variant type: single nucleotide variant.
Coding change: c.2038G>A on transcript NM_017617.5 (MANE Select); coding-DNA position 2038, G replaced by A.
Protein change: p.Asp680Asn; replaces aspartic acid 680 with asparagine.
Molecular consequence: missense variant.
Genome position (GRCh38, 1-based): chr9:136,514,679, C>T on the plus strand (G>A on the coding strand, the complement: NOTCH1 is on the minus strand). VCF-style: chr9-136514679-C-T. GRCh37 (hg19) VCF-style: chr9-139409131-C-T.
Other names: short protein forms D680N.
Identifiers: ClinVar variation 1480567 (VCV001480567.10), dbSNP rs749761941, ClinGen allele CA5341501.

ClinVar aggregate classification (germline): Conflicting classifications of pathogenicity. Review status: criteria provided, conflicting classifications (1 of 4 stars). 2 submissions from 2 submitters: Uncertain significance (1); Benign (1). Last evaluated 2024-07-10.

Conditions:
Adams-Oliver syndrome 5 (AOS5). Identifiers: Orphanet 974, MedGen C4014970, MONDO:0014459, OMIM 616028.
Familial thoracic aortic aneurysm and aortic dissection (TAAD). Also called: Thoracic aortic aneurysms and dissections. Identifiers: Orphanet 91387, MedGen C4707243, MONDO:0019625.

Allele frequency attached by ClinVar (database versions not stated): gnomAD exomes below 0.00001; ExAC 0.00001; gnomAD 0.00001; TOPMed 0.00001.
gnomAD v4.1: 7 of 1,612,288 alleles (0.00043%); highest among the groups gnomAD compares: East Asian, 0.0045%; no homozygotes.

Submissions (2):

Labcorp Genetics (formerly Invitae), Labcorp
Classification: Benign for Adams-Oliver syndrome 5. Last evaluated: 2024-07-10. Review status: criteria provided, single submitter. Criteria: Invitae Variant Classification Sherloc (09022015). Collection method: clinical testing. Allele origin: germline.

Ambry Genetics
Classification: Uncertain significance for Familial thoracic aortic aneurysm and aortic dissection. Last evaluated: 2021-07-01. Review status: criteria provided, single submitter. Criteria: Ambry Variant Classification Scheme 2023. Collection method: clinical testing. Allele origin: germline.
Comment: The p.D680N variant (also known as c.2038G>A), located in coding exon 13 of the NOTCH1 gene, results from a G to A substitution at nucleotide position 2038. The aspartic acid at codon 680 is replaced by asparagine, an amino acid with highly similar properties. This amino acid position is conserved. In addition, this alteration is predicted to be tolerated by in silico analysis. Since supporting evidence is limited at this time, the clinical significance of this alteration remains unclear.